The following is an entry in ClinVar:

ClinVar aggregate classification (germline): Uncertain significance (1 of 4 stars; one submission).

gnomAD v4.1: 19 of 1,614,166 alleles (0.0012%); highest among the groups gnomAD compares: East Asian, 0.042%; no homozygotes.

Submission:

Labcorp Genetics (formerly Invitae), Labcorp
Classification: Uncertain significance. Last evaluated: 2025-02-08. Review status: criteria provided, single submitter. Criteria: Invitae Variant Classification Sherloc (09022015). Collection method: clinical testing. Allele origin: germline.
Comment: This sequence change replaces methionine, which is neutral and non-polar, with leucine, which is neutral and non-polar, at codon 93 of the MS4A1 protein (p.Met93Leu). This variant is present in population databases (rs776326601, gnomAD 0.02%). This variant has not been reported in the literature in individuals affected with MS4A1-related conditions. An algorithm developed to predict the effect of missense changes on protein structure and function outputs the following: PolyPhen-2: "Benign". The leucine amino acid residue is found in multiple mammalian species, which suggests that this missense change does not adversely affect protein function. In summary, the available evidence is currently insufficient to determine the role of this variant in disease. Therefore, it has been classified as a Variant of Uncertain Significance.

NM_152866.3(MS4A1):c.277A>C (p.Met93Leu)

Gene: MS4A1 (membrane spanning 4-domains A1; plus strand). Cytogenetic location: 11q12.2.
Variant type: single nucleotide variant.
Coding change: c.277A>C on transcript NM_152866.3 (MANE Select); coding-DNA position 277, A replaced by C.
Protein change: p.Met93Leu; replaces methionine 93 with leucine.
Molecular consequence: missense variant.
Genome position (GRCh38, 1-based): chr11:60,463,119, A>C. VCF-style: chr11-60463119-A-C. GRCh37 (hg19) VCF-style: chr11-60230592-A-C.
Other names: c.277A>C, p.Met93Leu (NM_021950.4, NM_152867.2); short protein forms M93L.
Identifiers: ClinVar variation 4698159 (VCV004698159.1).